The following is an entry in ClinVar:

ClinVar aggregate classification (germline): Uncertain significance (1 of 4 stars; one submission).

Allele frequency attached by ClinVar (database versions not stated): gnomAD exomes below 0.00001; ExAC 0.00001.
gnomAD v4.1: 1 of 1,611,880 alleles (0.000062%); highest among the groups gnomAD compares: Admixed American, 0.0017%; no homozygotes.

Submission:

Labcorp Genetics (formerly Invitae), Labcorp
Classification: Uncertain significance. Last evaluated: 2022-10-22. Review status: criteria provided, single submitter. Criteria: Invitae Variant Classification Sherloc (09022015). Collection method: clinical testing. Allele origin: germline.
Comment: This sequence change replaces glycine, which is neutral and non-polar, with arginine, which is basic and polar, at codon 577 of the DYNC1I1 protein (p.Gly577Arg). This variant is present in population databases (rs774678955, gnomAD 0.003%). This variant has not been reported in the literature in individuals affected with DYNC1I1-related conditions. Algorithms developed to predict the effect of missense changes on protein structure and function are either unavailable or do not agree on the potential impact of this missense change (SIFT: "Deleterious"; PolyPhen-2: "Probably Damaging"; Align-GVGD: "Class C15"). In summary, the available evidence is currently insufficient to determine the role of this variant in disease. Therefore, it has been classified as a Variant of Uncertain Significance.

NM_001135556.2(DYNC1I1):c.1678G>C (p.Gly560Arg)

Gene: DYNC1I1 (dynein cytoplasmic 1 intermediate chain 1; plus strand). Cytogenetic location: 7q21.3.
Variant type: single nucleotide variant.
Coding change: c.1678G>C on transcript NM_001135556.2 (MANE Select); coding-DNA position 1678, G replaced by C.
Protein change: p.Gly560Arg; replaces glycine 560 with arginine.
Molecular consequence: missense variant.
Genome position (GRCh38, 1-based): chr7:96,080,390, G>C. VCF-style: chr7-96080390-G-C. GRCh37 (hg19) VCF-style: chr7-95709702-G-C.
Other names: c.1618G>C, p.Gly540Arg (NM_001135557.2, NM_001278422.2); c.1669G>C, p.Gly557Arg (NM_001278421.2); c.1729G>C, p.Gly577Arg (NM_004411.5); short protein forms G560R, G540R, G577R, G557R.
Identifiers: ClinVar variation 2879547 (VCV002879547.3), dbSNP rs774678955, ClinGen allele CA4352592.